The following is an entry in ClinVar:

NM_017780.4(CHD7):c.814A>C (p.Ser272Arg)

Gene: CHD7 (chromodomain helicase DNA binding protein 7; plus strand). Cytogenetic location: 8q12.2.
Variant type: single nucleotide variant.
Coding change: c.814A>C on transcript NM_017780.4 (MANE Select); coding-DNA position 814, A replaced by C.
Protein change: p.Ser272Arg; replaces serine 272 with arginine.
Molecular consequence: missense variant.
Genome position (GRCh38, 1-based): chr8:60,742,246, A>C. VCF-style: chr8-60742246-A-C. GRCh37 (hg19) VCF-style: chr8-61654805-A-C.
Other names: c.814A>C, p.Ser272Arg (NM_001316690.1); short protein forms S272R.
Identifiers: ClinVar variation 2439998 (VCV002439998.5), dbSNP rs2487270789, ClinGen allele CA371299544.

ClinVar aggregate classification (germline): Uncertain significance. Review status: criteria provided, multiple submitters, no conflicts (2 of 4 stars). 2 submissions from 2 submitters: Uncertain significance (2). Last evaluated 2024-06-03.

Conditions:
CHARGE syndrome (CHARGE). Also called: Hittner Hirsch Kreh syndrome; CHARGE ASSOCIATION--COLOBOMA, HEART ANOMALY, CHOANAL ATRESIA, RETARDATION, GENITAL AND EAR ANOMALIES; Coloboma, heart anomaly, choanal atresia, retardation, genital and ear anomalies; CHARGE association; Hall-Hittner syndrome. Identifiers: Orphanet 138, MedGen C0265354, MONDO:0008965.

Allele frequency attached by ClinVar (database versions not stated): gnomAD exomes below 0.00001.
gnomAD v4.1: 1 of 1,613,870 alleles (0.000062%); highest among the groups gnomAD compares: Non-Finnish European, 0.000085%; no homozygotes.

Submissions (2):

Labcorp Genetics (formerly Invitae), Labcorp
Classification: Uncertain significance for CHARGE syndrome. Last evaluated: 2024-06-03. Review status: criteria provided, single submitter. Criteria: Invitae Variant Classification Sherloc (09022015). Collection method: clinical testing. Allele origin: germline.
Comment: This sequence change replaces serine, which is neutral and polar, with arginine, which is basic and polar, at codon 272 of the CHD7 protein (p.Ser272Arg). This variant is not present in population databases (gnomAD no frequency). This variant has not been reported in the literature in individuals affected with CHD7-related conditions. ClinVar contains an entry for this variant (Variation ID: 2439998). Advanced modeling of protein sequence and biophysical properties (such as structural, functional, and spatial information, amino acid conservation, physicochemical variation, residue mobility, and thermodynamic stability) performed at Invitae indicates that this missense variant is not expected to disrupt CHD7 protein function with a negative predictive value of 95%. In summary, the available evidence is currently insufficient to determine the role of this variant in disease. Therefore, it has been classified as a Variant of Uncertain Significance.

Revvity Omics, Revvity
Classification: Uncertain significance. Last evaluated: 2022-11-02. Review status: criteria provided, single submitter. Criteria: ACMG Guidelines, 2015. Collection method: clinical testing. Allele origin: germline.